The following is an entry in ClinVar:

NM_182961.4(SYNE1):c.12457C>A (p.Leu4153Met)

Gene: SYNE1 (spectrin repeat containing nuclear envelope protein 1; minus strand). Cytogenetic location: 6q25.2.
Variant type: single nucleotide variant.
Coding change: c.12457C>A on transcript NM_182961.4 (MANE Select); coding-DNA position 12457, C replaced by A.
Protein change: p.Leu4153Met; replaces leucine 4153 with methionine.
Molecular consequence: missense variant.
Genome position (GRCh38, 1-based): chr6:152,336,912, G>T on the plus strand (C>A on the coding strand, the complement: SYNE1 is on the minus strand). VCF-style: chr6-152336912-G-T. GRCh37 (hg19) VCF-style: chr6-152658047-G-T.
Other names: c.12244C>A, p.Leu4082Met (NM_033071.5); short protein forms L4082M, L4153M.
Identifiers: ClinVar variation 841549 (VCV000841549.9), dbSNP rs2096403501, ClinGen allele CA366108436.

ClinVar aggregate classification (germline): Uncertain significance (1 of 4 stars; one submission).

Conditions:
Emery-Dreifuss muscular dystrophy 4, autosomal dominant (EDMD4). Also called: EMERY-DREIFUSS MUSCULAR DYSTROPHY 4 WITH VARIABLE FEATURES. Identifiers: Orphanet 261, MedGen C2751807, MONDO:0013071, OMIM 612998.
Autosomal recessive ataxia, Beauce type. Also called: Spinocerebellar ataxia, autosomal recessive 8; ATAXIA, RECESSIVE, OF BEAUCE; SYNE1-Related Autosomal Recessive Cerebellar Ataxia; SYNE1 Deficiency. Identifiers: Orphanet 88644, MedGen C1853116, MONDO:0012549, OMIM 610743.

Submission:

Labcorp Genetics (formerly Invitae), Labcorp
Classification: Uncertain significance for Emery-Dreifuss muscular dystrophy 4, autosomal dominant; Autosomal recessive ataxia, Beauce type. Last evaluated: 2022-06-27. Review status: criteria provided, single submitter. Criteria: Invitae Variant Classification Sherloc (09022015). Collection method: clinical testing. Allele origin: germline.
Comment: In summary, the available evidence is currently insufficient to determine the role of this variant in disease. Therefore, it has been classified as a Variant of Uncertain Significance. Algorithms developed to predict the effect of missense changes on protein structure and function are either unavailable or do not agree on the potential impact of this missense change (SIFT: "Deleterious"; PolyPhen-2: "Probably Damaging"; Align-GVGD: "Class C0"). ClinVar contains an entry for this variant (Variation ID: 841549). This variant has not been reported in the literature in individuals affected with SYNE1-related conditions. This variant is not present in population databases (gnomAD no frequency). This sequence change replaces leucine, which is neutral and non-polar, with methionine, which is neutral and non-polar, at codon 4082 of the SYNE1 protein (p.Leu4082Met).